The following is an entry in ClinVar:

NM_001365552.1(NEK5):c.1182G>A (p.Thr394=)

Gene: NEK5 (NIMA related kinase 5; minus strand). Cytogenetic location: 13q14.3.
Variant type: single nucleotide variant.
Coding change: c.1182G>A on transcript NM_001365552.1 (MANE Select); coding-DNA position 1182, G replaced by A.
Protein change: p.Thr394=; no amino-acid change (threonine 394 retained).
Molecular consequence: synonymous variant.
Genome position (GRCh38, 1-based): chr13:52,093,080, C>T on the plus strand (G>A on the coding strand, the complement: NEK5 is on the minus strand). VCF-style: chr13-52093080-C-T. GRCh37 (hg19) VCF-style: chr13-52667216-C-T.
Other names: c.1182G>A, p.Thr394= (NM_199289.3).
Identifiers: ClinVar variation 2643826 (VCV002643826.24), dbSNP rs757402487, ClinGen allele CA6990831.

ClinVar aggregate classification (germline): Likely benign (1 of 4 stars; one submission).

Allele frequency attached by ClinVar (database versions not stated): gnomAD exomes below 0.00001; TOPMed below 0.00001; ExAC 0.00001; gnomAD 0.00001.
gnomAD v4.1: 6 of 1,613,228 alleles (0.00037%); highest among the groups gnomAD compares: South Asian, 0.0033%; no homozygotes.

Submission:

CeGaT Center for Human Genetics Tuebingen
Classification: Likely benign. Last evaluated: 2023-05-01. Review status: criteria provided, single submitter. Criteria: CeGaT Center For Human Genetics Tuebingen Variant Classification Criteria Version 2. Collection method: clinical testing. Allele origin: germline. Affected: yes. Observed: 1 variant allele.
Comment: NEK5: BP4, BP7